The following is an entry in ClinVar:

ClinVar aggregate classification (germline): Conflicting classifications of pathogenicity. Review status: criteria provided, conflicting classifications (1 of 4 stars). 3 submissions from 3 submitters: Uncertain significance (1); Likely benign (1). 1 of the submissions does not count toward it. Last evaluated 2024-09-19.

Conditions:
PIEZO1-related disorder. Also called: PIEZO1-related condition; PIEZO1-Related Disorders.

Submissions (3):

Blueprint Genetics
Classification: Likely benign. Last evaluated: 2024-09-19. Review status: criteria provided, single submitter. Criteria: ACMG Guidelines, 2015. Collection method: clinical testing. Allele origin: germline.

Revvity Omics, Revvity
Classification: Uncertain significance. Last evaluated: 2024-04-29. Review status: criteria provided, single submitter. Criteria: ACMG Guidelines, 2015. Collection method: clinical testing. Allele origin: germline.

PreventionGenetics, part of Exact Sciences
Classification: Likely benign for PIEZO1-related condition. Last evaluated: 2021-12-17. Review status: no assertion criteria provided. Collection method: clinical testing. Allele origin: germline. Not counted in ClinVar's aggregate classification.
Comment: This variant is classified as likely benign based on ACMG/AMP sequence variant interpretation guidelines (Richards et al. 2015 PMID: 25741868, with internal and published modifications).

NM_001142864.4(PIEZO1):c.2488-66CCCAAGCCCAGCCCCACGTGCCCACTGCCCTC[3]

Genes: HSALR1 (HSP90AB1 associated lncRNA 1; plus strand), PIEZO1 (piezo type mechanosensitive ion channel component 1 (Er blood group); minus strand). Cytogenetic location: 16q24.3.
Variant type: Microsatellite.
Coding change: c.2488-66CCCAAGCCCAGCCCCACGTGCCCACTGCCCTC[3] on transcript NM_001142864.4 (MANE Select); three copies in a row of the 32-base unit CCCAAGCCCAGCCCCACGTGCCCACTGCCCTC starting at c.2488-66; the reference has two copies in a row; one copy, 32 bases duplicated.
Molecular consequence: intron variant.
Genome position (GRCh38, 1-based): chr16:88,733,457-88,733,488, 32 bases duplicated; duplicating any 32 consecutive bases within chr16:88,733,457-88,733,524 gives the same sequence; the position shown is the placement nearest the transcript's 3' end. GRCh37 (hg19), VCF-style position (the base before the change): chr16:88,799,864.
Other names: c.2488-34_2488-3dup (NM_001142864.4).
Identifiers: ClinVar variation 3045018 (VCV003045018.4), dbSNP rs747907132, ClinGen allele CA624449397.